The following is an entry in ClinVar:

NM_006059.4(LAMC3):c.1903CTCCGC[1] (p.635LR[1])

Gene: LAMC3 (laminin subunit gamma 3; plus strand). Cytogenetic location: 9q34.12.
Variant type: Microsatellite.
Coding change: c.1903CTCCGC[1] on transcript NM_006059.4 (MANE Select); one copy of the 6-base unit CTCCGC starting at c.1903; the reference has two copies in a row; one copy, 6 bases deleted.
Protein change: p.635LR[1].
Molecular consequence: inframe deletion.
Genome position (GRCh38, 1-based): chr9:131,052,935-131,052,940, CTCCGC deleted; deleting any 6 consecutive bases within chr9:131,052,927-131,052,940 gives the same sequence; the position shown is the placement nearest the transcript's 3' end. VCF-style (leftmost placement, unchanged base first): chr9-131052926-AGCCTCC-A. GRCh37 (hg19) VCF-style: chr9-133928313-AGCCTCC-A.
Identifiers: ClinVar variation 1357177 (VCV001357177.8), dbSNP rs1564377307, ClinGen allele CA2580617112.

ClinVar aggregate classification (germline): Uncertain significance (1 of 4 stars; one submission).

Submission:

Labcorp Genetics (formerly Invitae), Labcorp
Classification: Uncertain significance. Last evaluated: 2021-05-29. Review status: criteria provided, single submitter. Criteria: Invitae Variant Classification Sherloc (09022015). Collection method: clinical testing. Allele origin: germline.
Comment: This variant, c.1909_1914del, results in the deletion of 2 amino acid(s) of the LAMC3 protein (p.Leu637_Arg638del), but otherwise preserves the integrity of the reading frame. This variant is not present in population databases (ExAC no frequency). This variant has not been reported in the literature in individuals with LAMC3-related conditions. Experimental studies and prediction algorithms are not available or were not evaluated, and the functional significance of this variant is currently unknown. Algorithms developed to predict the effect of sequence changes on RNA splicing suggest that this variant may create or strengthen a splice site, but this prediction has not been confirmed by published transcriptional studies. In summary, the available evidence is currently insufficient to determine the role of this variant in disease. Therefore, it has been classified as a Variant of Uncertain Significance.